The following is an entry in ClinVar:

NM_000081.4(LYST):c.4357A>G (p.Ile1453Val)

Gene: LYST (lysosomal trafficking regulator; minus strand). Cytogenetic location: 1q42.3.
Variant type: single nucleotide variant.
Coding change: c.4357A>G on transcript NM_000081.4 (MANE Select); coding-DNA position 4357, A replaced by G.
Protein change: p.Ile1453Val; replaces isoleucine 1453 with valine.
Molecular consequence: missense variant.
Genome position (GRCh38, 1-based): chr1:235,791,885, T>C on the plus strand (A>G on the coding strand, the complement: LYST is on the minus strand). VCF-style: chr1-235791885-T-C. GRCh37 (hg19) VCF-style: chr1-235955185-T-C.
Other names: c.4357A>G, p.Ile1453Val (NM_001301365.1); short protein forms I1453V.
Identifiers: ClinVar variation 639892 (VCV000639892.6), dbSNP rs1391535167, ClinGen allele CA344959776.

ClinVar aggregate classification (germline): Uncertain significance (1 of 4 stars; one submission).

Conditions:
Chédiak-Higashi syndrome (CHS). Also called: Chediak-Higashi Syndrome. Identifiers: Orphanet 167, MedGen C0007965, MONDO:0008963, OMIM 214500.

Allele frequency attached by ClinVar (database versions not stated): gnomAD exomes below 0.00001.
gnomAD v4.1: 1 of 1,614,212 alleles (0.000062%); highest among the groups gnomAD compares: East Asian, 0.0022%; no homozygotes.

Submission:

Labcorp Genetics (formerly Invitae), Labcorp
Classification: Uncertain significance for Chédiak-Higashi syndrome. Last evaluated: 2021-08-28. Review status: criteria provided, single submitter. Criteria: Invitae Variant Classification Sherloc (09022015). Collection method: clinical testing. Allele origin: germline.
Comment: This sequence change replaces isoleucine with valine at codon 1453 of the LYST protein (p.Ile1453Val). The isoleucine residue is weakly conserved and there is a small physicochemical difference between isoleucine and valine. This variant is not present in population databases (ExAC no frequency). This variant has not been reported in the literature in individuals affected with LYST-related conditions. Algorithms developed to predict the effect of missense changes on protein structure and function output the following: SIFT: "Tolerated"; PolyPhen-2: "Benign"; Align-GVGD: "Class C0". The valine amino acid residue is found in multiple mammalian species, which suggests that this missense change does not adversely affect protein function. In summary, the available evidence is currently insufficient to determine the role of this variant in disease. Therefore, it has been classified as a Variant of Uncertain Significance.